The following is an entry in ClinVar:

NM_002457.5(MUC2):c.11670C>A (p.Gly3890=)

Gene: MUC2 (mucin 2, oligomeric mucus/gel-forming; plus strand). Cytogenetic location: 11p15.5.
Variant type: single nucleotide variant.
Coding change: c.11670C>A on transcript NM_002457.5 (MANE Select); coding-DNA position 11670, C replaced by A.
Protein change: p.Gly3890=; no amino-acid change (glycine 3890 retained).
Molecular consequence: synonymous variant.
Genome position (GRCh38, 1-based): chr11:1,099,004, C>A. VCF-style: chr11-1099004-C-A. GRCh37 (hg19) VCF-style: chr11-1092912-C-A.
Identifiers: ClinVar variation 2672431 (VCV002672431.23), dbSNP rs745983217, ClinGen allele CA5799857.

ClinVar aggregate classification (germline): Likely benign (1 of 4 stars; one submission).

Allele frequency attached by ClinVar (database versions not stated): ExAC 0.00056.

Submission:

CeGaT Center for Human Genetics Tuebingen
Classification: Likely benign. Last evaluated: 2023-11-01. Review status: criteria provided, single submitter. Criteria: CeGaT Center For Human Genetics Tuebingen Variant Classification Criteria Version 2. Collection method: clinical testing. Allele origin: germline. Affected: yes. Observed: 1 variant allele.
Comment: MUC2: BP4, BP7